The following is an entry in ClinVar:

NM_198253.3(TERT):c.1607T>A (p.Leu536Gln)

Gene: TERT (telomerase reverse transcriptase; minus strand). Cytogenetic location: 5p15.33.
Variant type: single nucleotide variant.
Coding change: c.1607T>A on transcript NM_198253.3 (MANE Select); coding-DNA position 1607, T replaced by A.
Protein change: p.Leu536Gln; replaces leucine 536 with glutamine.
Molecular consequence: missense variant. On other transcripts: non-coding transcript variant (2).
Genome position (GRCh38, 1-based): chr5:1,282,591, A>T on the plus strand (T>A on the coding strand, the complement: TERT is on the minus strand). VCF-style: chr5-1282591-A-T. GRCh37 (hg19) VCF-style: chr5-1282706-A-T.
Other names: c.1607T>A, p.Leu536Gln (NM_001193376.3); short protein forms L536Q.
Identifiers: ClinVar variation 1020482 (VCV001020482.6), dbSNP rs1750102460, ClinGen allele CA359083502.
Genomic context (GRCh38, chr5:1,282,591, plus strand): 5'-AGCTCGACGACGTACACACTCATCAGCCAGTGCAGGAACTTGGCCAGGATCTCCTCACGC[A>T]GACGGTGCTCTGCGGCCGGAACACAGCCAACCCCTTAAACGAGAAGGACATGCCACATCC-3'
Protein context (NP_937983.2, residues 526-546): VGCVPAAEHR[Leu536Gln]REEILAKFLH

ClinVar aggregate classification (germline): Uncertain significance (1 of 4 stars; one submission).

Conditions:
Idiopathic Pulmonary Fibrosis. Also called: Idiopathic fibrosing alveolitis, chronic form; idiopathic fibrosing alveolitis. Identifiers: Orphanet 2032, MedGen C1800706, MeSH D054990, MONDO:0800504.
Dyskeratosis congenita, autosomal dominant 2. Identifiers: MedGen C3151443, MONDO:0013521, OMIM 613989.

Submission:

Labcorp Genetics (formerly Invitae), Labcorp
Classification: Uncertain significance for Dyskeratosis congenita, autosomal dominant 2; Idiopathic Pulmonary Fibrosis. Last evaluated: 2021-08-31. Review status: criteria provided, single submitter. Criteria: Invitae Variant Classification Sherloc (09022015). Collection method: clinical testing. Allele origin: germline.
Comment: This sequence change replaces leucine with glutamine at codon 536 of the TERT protein (p.Leu536Gln). The leucine residue is weakly conserved and there is a moderate physicochemical difference between leucine and glutamine. This variant is not present in population databases (ExAC no frequency). This variant has not been reported in the literature in individuals affected with TERT-related conditions. Advanced modeling of protein sequence and biophysical properties (such as structural, functional, and spatial information, amino acid conservation, physicochemical variation, residue mobility, and thermodynamic stability) performed at Invitae indicates that this missense variant is not expected to disrupt TERT protein function. In summary, the available evidence is currently insufficient to determine the role of this variant in disease. Therefore, it has been classified as a Variant of Uncertain Significance.